The following is an entry in ClinVar:

ClinVar aggregate classification (germline): Pathogenic/Likely pathogenic. Review status: criteria provided, multiple submitters, no conflicts (2 of 4 stars). 3 submissions from 3 submitters: Pathogenic (2); Likely pathogenic (1). Last evaluated 2026-07-05.

Conditions:
Severe early-childhood-onset retinal dystrophy (STGD1). Also called: STGD; Stargardt macular dystrophy; Juvenile onset macular degeneration; Stargardt disease 1; MACULAR DYSTROPHY WITH FLECKS, TYPE 1. Identifiers: Orphanet 364055, Orphanet 827, MedGen C1855465, MeSH D000080362, MONDO:0009549, OMIM 248200.
ABCA4-related disorder. Also called: ABCA4-related disorders; ABCA4-related condition. Identifiers: MedGen CN239167.

Allele frequency attached by ClinVar (database versions not stated): gnomAD 0.00001.
gnomAD v4.1: 2 of 1,612,752 alleles (0.00012%); highest among the groups gnomAD compares: East Asian, 0.0022%; no homozygotes.

Submissions (3):

Department of Molecular Genetics, Istishari Arab Hospital
Classification: Pathogenic for Severe early-childhood-onset retinal dystrophy. Last evaluated: 2026-07-05. Review status: criteria provided, single submitter. Criteria: ACMG Guidelines, 2015. Collection method: clinical testing. Allele origin: germline. Inheritance: Autosomal recessive inheritance. Affected: yes.
Comment: The ABCA4 variant c.5691G>C, p.Gln1897His causes an amino acid change from Gln to His at position 1897 in exon 40 (out of 50 exons). The variant is not observed in the gnomAD v4.1.0 dataset, and to the best of our knowledge, it was not previously reported in the literature. Another same amino acid change, c.5691G>T p.Gln1897His, was previously reported as pathogenic in patients with ABCA4-related disorders (VCV001000328.9). This variant is classified as likely pathogenic based on ACMG/AMP/ClinGen SVI guidelines.

Labcorp Genetics (formerly Invitae), Labcorp
Classification: Pathogenic. Last evaluated: 2025-05-27. Review status: criteria provided, single submitter. Criteria: Invitae Variant Classification Sherloc (09022015). Collection method: clinical testing. Allele origin: germline.
Comment: This sequence change replaces aspartic acid, which is acidic and polar, with glutamic acid, which is acidic and polar, at codon 586 of the ABCA4 protein (p.Asp586Glu). This variant is not present in population databases (gnomAD no frequency). This missense change has been observed in individual(s) with ABCA4-related conditions (PMID: 37798099, 38499139; internal data). In at least one individual the data is consistent with being in trans (on the opposite chromosome) from a pathogenic variant. ClinVar contains an entry for this variant (Variation ID: 1024921). An algorithm developed to predict the effect of missense changes on protein structure and function (PolyPhen-2) suggests that this variant is likely to be disruptive. This variant disrupts the p.Asp586 amino acid residue in ABCA4. Other variant(s) that disrupt this residue have been determined to be pathogenic (PMID: 25312043, 29925512). This suggests that this residue is clinically significant, and that variants that disrupt this residue are likely to be disease-causing. For these reasons, this variant has been classified as Pathogenic.

Blueprint Genetics
Classification: Likely pathogenic for ABCA4-related disorders. Last evaluated: 2023-06-28. Review status: criteria provided, single submitter. Criteria: ACMG Guidelines, 2015. Collection method: clinical testing. Allele origin: germline. Affected: yes. Observed: 3 variant alleles.

Literature cited by the submitters: PubMed 37798099 (cited by Labcorp Genetics (formerly Invitae), Labcorp); PubMed 38499139 (cited by Labcorp Genetics (formerly Invitae), Labcorp); PubMed 25312043 (cited by Labcorp Genetics (formerly Invitae), Labcorp); PubMed 29925512 (cited by Labcorp Genetics (formerly Invitae), Labcorp).

NM_000350.3(ABCA4):c.1758C>G (p.Asp586Glu)

Gene: ABCA4 (ATP binding cassette subfamily A member 4; minus strand). Cytogenetic location: 1p22.1.
Variant type: single nucleotide variant.
Coding change: c.1758C>G on transcript NM_000350.3 (MANE Select); coding-DNA position 1758, C replaced by G.
Protein change: p.Asp586Glu; replaces aspartic acid 586 with glutamic acid.
Molecular consequence: missense variant.
Genome position (GRCh38, 1-based): chr1:94,063,114, G>C on the plus strand (C>G on the coding strand, the complement: ABCA4 is on the minus strand). VCF-style: chr1-94063114-G-C. GRCh37 (hg19) VCF-style: chr1-94528670-G-C.
Other names: p.Asp586Glu; c.1758C>G, p.Asp586Glu (NM_001425324.1); short protein forms D586E.
Identifiers: ClinVar variation 1024921 (VCV001024921.8), dbSNP rs1570393727, ClinGen allele CA341279872.